The following is an entry in ClinVar:

NM_002691.4(POLD1):c.109G>A (p.Asp37Asn)

Gene: POLD1 (DNA polymerase delta 1, catalytic subunit; plus strand). Cytogenetic location: 19q13.33.
Variant type: single nucleotide variant.
Coding change: c.109G>A on transcript NM_002691.4 (MANE Select); coding-DNA position 109, G replaced by A.
Protein change: p.Asp37Asn; replaces aspartic acid 37 with asparagine.
Molecular consequence: missense variant. On other transcripts: non-coding transcript variant (1).
Genome position (GRCh38, 1-based): chr19:50,398,960, G>A. VCF-style: chr19-50398960-G-A. GRCh37 (hg19) VCF-style: chr19-50902217-G-A.
Other names: c.109G>A, p.Asp37Asn (NM_001256849.1, NM_001308632.1); c.109G>A (NM_002691.2); short protein forms D37N.
Identifiers: ClinVar variation 836529 (VCV000836529.11), dbSNP rs754269222, ClinGen allele CA9595618.

ClinVar aggregate classification (germline): Uncertain significance. Review status: criteria provided, multiple submitters, no conflicts (2 of 4 stars). 3 submissions from 3 submitters: Uncertain significance (3). Last evaluated 2024-12-16.

Conditions:
Hereditary cancer-predisposing syndrome. Also called: Tumor predisposition; Hereditary Cancer Syndrome; Hereditary neoplastic syndrome; Neoplastic Syndromes, Hereditary. Identifiers: Orphanet 140162, MedGen C0027672, MeSH D009386, MONDO:0015356.
POLD1-related polyposis and colorectal cancer syndrome (CRCS10). Also called: Colorectal cancer 10; COLORECTAL CANCER, SUSCEPTIBILITY TO, ON CHROMOSOME 19q; Colorectal cancer, susceptibility to, 10. Identifiers: Orphanet 220460, MedGen C2675481, MONDO:0012953, OMIM 612591.

Allele frequency attached by ClinVar (database versions not stated): gnomAD exomes below 0.00001 and 0.00001; ExAC 0.00002.
gnomAD v4.1: 3 of 1,583,348 alleles (0.00019%); highest among the groups gnomAD compares: Admixed American, 0.0018%; no homozygotes.

Submissions (3):

Ambry Genetics
Classification: Uncertain significance for Hereditary cancer-predisposing syndrome. Last evaluated: 2024-12-16. Review status: criteria provided, single submitter. Criteria: Ambry Variant Classification Scheme 2023. Collection method: clinical testing. Allele origin: germline.
Comment: The p.D37N variant (also known as c.109G>A), located in coding exon 1 of the POLD1 gene, results from a G to A substitution at nucleotide position 109. The aspartic acid at codon 37 is replaced by asparagine, an amino acid with highly similar properties. This amino acid position is conserved. In addition, this alteration is predicted to be tolerated by in silico analysis. Based on the available evidence, the clinical significance of this variant remains unclear.

Labcorp Genetics (formerly Invitae), Labcorp
Classification: Uncertain significance for POLD1-related polyposis and colorectal cancer syndrome. Last evaluated: 2024-08-27. Review status: criteria provided, single submitter. Criteria: Invitae Variant Classification Sherloc (09022015). Collection method: clinical testing. Allele origin: germline.
Comment: This sequence change replaces aspartic acid, which is acidic and polar, with asparagine, which is neutral and polar, at codon 37 of the POLD1 protein (p.Asp37Asn). This variant is present in population databases (rs754269222, gnomAD 0.001%). This variant has not been reported in the literature in individuals affected with POLD1-related conditions. ClinVar contains an entry for this variant (Variation ID: 836529). An algorithm developed to predict the effect of missense changes on protein structure and function outputs the following: PolyPhen-2: "Benign". The asparagine amino acid residue is found in multiple mammalian species, which suggests that this missense change does not adversely affect protein function. In summary, the available evidence is currently insufficient to determine the role of this variant in disease. Therefore, it has been classified as a Variant of Uncertain Significance.

GeneDx
Classification: Uncertain significance. Last evaluated: 2024-03-08. Review status: criteria provided, single submitter. Criteria: GeneDx Variant Classification Process June 2021. Collection method: clinical testing. Allele origin: germline.
Comment: Not observed at significant frequency in large population cohorts (gnomAD); In silico analysis supports that this missense variant does not alter protein structure/function; Has not been previously published as pathogenic or benign to our knowledge